The following is an entry in ClinVar:

NM_001165963.4(SCN1A):c.964+185T>A

Gene: SCN1A (sodium voltage-gated channel alpha subunit 1; minus strand). Cytogenetic location: 2q24.3.
Variant type: single nucleotide variant.
Coding change: c.964+185T>A on transcript NM_001165963.4 (MANE Select); 185 bases into the intron after coding-DNA position 964, T replaced by A.
Molecular consequence: intron variant.
Genome position (GRCh38, 1-based): chr2:166,051,534, A>T on the plus strand (T>A on the coding strand, the complement: SCN1A is on the minus strand). VCF-style: chr2-166051534-A-T. GRCh37 (hg19) VCF-style: chr2-166908044-A-T.
Other names: c.964+185T>A (NM_001353949.2, NM_001353958.2, NM_001353950.2 and 10 more transcripts); c.-1462+185T>A (NM_001353961.2).
Identifiers: ClinVar variation 677618 (VCV000677618.1), dbSNP rs73022800, ClinGen allele CA59801078.
Genomic context (GRCh38, chr2:166,051,534, plus strand): 5'-TAGTAATTCTTTTTTAGAGGGTGTTTTATTTATTTCATTAGTTTTAAATTTTAAATTTTA[A>T]TTTTTGTGGGTACATGGTAGGTGTTTCTATATATGGGGTACATGAGATGTTTTGATACAG-3'

ClinVar aggregate classification (germline): Likely benign (1 of 4 stars; one submission).

Allele frequency attached by ClinVar (database versions not stated): gnomAD 0.00814 and 0.00872; 1000 Genomes Project 0.00899; TOPMed 0.00940; 1000 Genomes Project 30x 0.00953.
gnomAD v4.1: 1,229 of 151,840 alleles (0.81%); highest among the groups gnomAD compares: African/African-American, 2.7%; 18 homozygotes.

Submission:

GeneDx
Classification: Likely benign. Last evaluated: 2018-06-14. Review status: criteria provided, single submitter. Criteria: GeneDx Variant Classification (06012015). Collection method: clinical testing. Allele origin: germline. Affected: yes.
Comment: This variant is considered likely benign or benign based on one or more of the following criteria: it is a conservative change, it occurs at a poorly conserved position in the protein, it is predicted to be benign by multiple in silico algorithms, and/or has population frequency not consistent with disease.